The following is an entry in ClinVar:

NM_000051.4(ATM):c.6446A>G (p.Tyr2149Cys)

Genes: ATM (ATM serine/threonine kinase; plus strand), C11orf65 (chromosome 11 open reading frame 65; minus strand). Cytogenetic location: 11q22.3.
Variant type: single nucleotide variant.
Coding change: c.6446A>G on transcript NM_000051.4 (MANE Select); coding-DNA position 6446, A replaced by G.
Protein change: p.Tyr2149Cys; replaces tyrosine 2149 with cysteine.
Molecular consequence: missense variant. On other transcripts: intron variant (2).
Genome position (GRCh38, 1-based): chr11:108,320,052, A>G. VCF-style: chr11-108320052-A-G. GRCh37 (hg19) VCF-style: chr11-108190779-A-G.
Other names: c.6446A>G, p.Tyr2149Cys (NM_001351834.2); c.641-10981T>C (NM_001330368.2); c.*39-10981T>C (NM_001351110.2); short protein forms Y2149C.
Identifiers: ClinVar variation 2152131 (VCV002152131.4), dbSNP rs2085089025, ClinGen allele CA382553644.

ClinVar aggregate classification (germline): Uncertain significance. Review status: criteria provided, multiple submitters, no conflicts (2 of 4 stars). 2 submissions from 2 submitters: Uncertain significance (2). Last evaluated 2024-07-03.

Conditions:
Ataxia-telangiectasia syndrome (AT). Also called: ATAXIA-TELANGIECTASIA, COMPLEMENTATION GROUP A; ATAXIA-TELANGIECTASIA, FRESNO VARIANT; Ataxia-telangiectasia; Ataxia-telangiectasia, complementation group E; LOUIS-BAR SYNDROME; Cerebello-oculocutaneous telangiectasia. Identifiers: Orphanet 100, MedGen C0004135, MONDO:0008840, OMIM 208900.
Hereditary cancer-predisposing syndrome. Also called: Tumor predisposition; Hereditary Cancer Syndrome; Hereditary neoplastic syndrome; Neoplastic Syndromes, Hereditary. Identifiers: Orphanet 140162, MedGen C0027672, MeSH D009386, MONDO:0015356.

Submissions (2):

Ambry Genetics
Classification: Uncertain significance for Hereditary cancer-predisposing syndrome. Last evaluated: 2024-07-03. Review status: criteria provided, single submitter. Criteria: Ambry Variant Classification Scheme 2023. Collection method: clinical testing. Allele origin: germline.
Comment: The p.Y2149C variant (also known as c.6446A>G), located in coding exon 43 of the ATM gene, results from an A to G substitution at nucleotide position 6446. The tyrosine at codon 2149 is replaced by cysteine, an amino acid with highly dissimilar properties. This alteration was not observed in unselected female breast cancer patients and was observed with an allele frequency of 0.00018 in 11,241 female controls of Japanese ancestry. In addition, it was not observed in unselected male breast cancer patients and was observed with an allele frequency of 0.0001 in 12,490 male controls of Japanese ancestry (Momozawa Y et al. Nat Commun, 2018 Oct;9:4083). This amino acid position is not well conserved in available vertebrate species. In addition, this alteration is predicted to be tolerated by in silico analysis. Based on the available evidence, the clinical significance of this variant remains unclear.

Labcorp Genetics (formerly Invitae), Labcorp
Classification: Uncertain significance for Ataxia-telangiectasia syndrome. Last evaluated: 2022-11-14. Review status: criteria provided, single submitter. Criteria: Invitae Variant Classification Sherloc (09022015). Collection method: clinical testing. Allele origin: germline.
Comment: This sequence change replaces tyrosine, which is neutral and polar, with cysteine, which is neutral and slightly polar, at codon 2149 of the ATM protein (p.Tyr2149Cys). This variant is not present in population databases (gnomAD no frequency). This variant has not been reported in the literature in individuals affected with ATM-related conditions. Algorithms developed to predict the effect of missense changes on protein structure and function output the following: SIFT: "Tolerated"; PolyPhen-2: "Benign"; Align-GVGD: "Class C15". The cysteine amino acid residue is found in multiple mammalian species, which suggests that this missense change does not adversely affect protein function. In summary, the available evidence is currently insufficient to determine the role of this variant in disease. Therefore, it has been classified as a Variant of Uncertain Significance.

Literature cited by the submitters: PubMed 30287823 (cited by Ambry Genetics).